The following is an entry in ClinVar:

NM_000020.3(ACVRL1):c.148T>C (p.Trp50Arg)

Gene: ACVRL1 (activin A receptor like type 1; plus strand). Cytogenetic location: 12q13.13.
Variant type: single nucleotide variant.
Coding change: c.148T>C on transcript NM_000020.3 (MANE Select); coding-DNA position 148, T replaced by C.
Protein change: p.Trp50Arg; replaces tryptophan 50 with arginine.
Molecular consequence: missense variant.
Genome position (GRCh38, 1-based): chr12:51,913,185, T>C. VCF-style: chr12-51913185-T-C. GRCh37 (hg19) VCF-style: chr12-52306969-T-C.
Other names: c.148T>C, p.Trp50Arg (NM_001077401.2); short protein forms W50R.
Identifiers: ClinVar variation 464760 (VCV000464760.12), dbSNP rs1555152468, ClinGen allele CA384897700.

ClinVar aggregate classification (germline): Likely pathogenic. Review status: criteria provided, multiple submitters, no conflicts (2 of 4 stars). 2 submissions from 2 submitters: Likely pathogenic (2). Last evaluated 2023-01-20.

Conditions:
Hereditary hemorrhagic telangiectasia (HHT). Also called: ORW DISEASE; Osler Weber Rendu syndrome; OSLER-RENDU-WEBER DISEASE; Osler hemorrhagic telangiectasia syndrome. Identifiers: Orphanet 774, MedGen C0039445, MONDO:0019180. Disease mechanism: loss of function.
Telangiectasia, hereditary hemorrhagic, type 2 (HHT2). Also called: ACVRL1-Related Hereditary Hemorrhagic Telangiectasia; Telangiectasia, hereditary hemorrhagic, type II. Identifiers: Orphanet 774, MedGen C1838163, MONDO:0010880, OMIM 600376. Disease mechanism: loss of function.

Submissions (2):

Department of Human Genetics, Hannover Medical School
Classification: Likely pathogenic for Telangiectasia, hereditary hemorrhagic, type 2; Hereditary hemorrhagic telangiectasia. Last evaluated: 2023-01-20. Review status: criteria provided, single submitter. Criteria: ACMG Guidelines, 2015. Collection method: clinical testing. Allele origin: germline. Affected: yes.

Labcorp Genetics (formerly Invitae), Labcorp
Classification: Likely pathogenic for Telangiectasia, hereditary hemorrhagic, type 2. Last evaluated: 2019-09-11. Review status: criteria provided, single submitter. Criteria: Invitae Variant Classification Sherloc (09022015). Collection method: clinical testing. Allele origin: germline.
Comment: This variant has been observed to segregate with clinical features of hereditary hemorrhagic telangiectasia in a family (Invitae). ClinVar contains an entry for this variant (Variation ID: 464760). In summary, the currently available evidence indicates that the variant is pathogenic, but additional data are needed to prove that conclusively. Therefore, this variant has been classified as Likely Pathogenic. This variant disrupts the p.Trp50 amino acid residue in ACVRL1. Other variant(s) that disrupt this residue have been determined to be pathogenic (PMID: 9245985, 12843319, 10187774, 14684682, Invitae). This suggests that this residue is clinically significant, and that variants that disrupt this residue are likely to be disease-causing. Algorithms developed to predict the effect of missense changes on protein structure and function are either unavailable or do not agree on the potential impact of this missense change (SIFT: "Tolerated"; PolyPhen-2: "Possibly Damaging"; Align-GVGD: "Class C15"). This variant is not present in population databases (ExAC no frequency). This sequence change replaces tryptophan with arginine at codon 50 of the ACVRL1 protein (p.Trp50Arg). The tryptophan residue is highly conserved and there is a moderate physicochemical difference between tryptophan and arginine.

Literature cited by the submitters: PubMed 9245985 (cited by Labcorp Genetics (formerly Invitae), Labcorp); PubMed 12843319 (cited by Labcorp Genetics (formerly Invitae), Labcorp); PubMed 10187774 (cited by Labcorp Genetics (formerly Invitae), Labcorp); PubMed 14684682 (cited by Labcorp Genetics (formerly Invitae), Labcorp).